The following is an entry in ClinVar:

ClinVar aggregate classification (germline): Uncertain significance. Review status: criteria provided, multiple submitters, no conflicts (2 of 4 stars). 2 submissions from 2 submitters: Uncertain significance (2). Last evaluated 2026-08-01.

Conditions:
LOXHD1-related disorder. Also called: LOXHD1-related condition.

gnomAD v4.1: 94 of 1,551,572 alleles (0.0061%); highest among the groups gnomAD compares: Non-Finnish European, 0.0077%; no homozygotes.

Submissions (2):

PreventionGenetics, part of Exact Sciences
Classification: Uncertain significance for LOXHD1-related condition. Last evaluated: 2026-08-01. Review status: criteria provided, single submitter. Criteria: ACMG Guidelines, 2015. Collection method: clinical testing. Allele origin: germline.
Comment: The LOXHD1 c.3689C>G variant is predicted to result in the amino acid substitution p.Thr1230Arg. To our knowledge, this variant has not been reported in the literature. This variant is reported in 0.0052% of alleles in individuals of European (Non-Finnish) descent in gnomAD. At this time, the clinical significance of this variant is uncertain due to the absence of conclusive functional and genetic evidence.

CeGaT Center for Human Genetics Tuebingen
Classification: Uncertain significance. Last evaluated: 2022-12-01. Review status: criteria provided, single submitter. Criteria: CeGaT Center For Human Genetics Tuebingen Variant Classification Criteria Version 2. Collection method: clinical testing. Allele origin: germline. Affected: yes. Observed: 1 variant allele.
Comment: LOXHD1: PM2

NM_001384474.1(LOXHD1):c.3689C>G (p.Thr1230Arg)

Gene: LOXHD1 (lipoxygenase homology PLAT domains 1; minus strand). Cytogenetic location: 18q21.1.
Variant type: single nucleotide variant.
Coding change: c.3689C>G on transcript NM_001384474.1 (MANE Select); coding-DNA position 3689, C replaced by G.
Protein change: p.Thr1230Arg; replaces threonine 1230 with arginine.
Molecular consequence: missense variant.
Genome position (GRCh38, 1-based): chr18:46,542,786, G>C on the plus strand (C>G on the coding strand, the complement: LOXHD1 is on the minus strand). VCF-style: chr18-46542786-G-C. GRCh37 (hg19) VCF-style: chr18-44122749-G-C.
Other names: c.356C>G, p.Thr119Arg (NM_001145472.3); c.68C>G, p.Thr23Arg (NM_001308013.2); c.3689C>G, p.Thr1230Arg (NM_144612.7); c.3689C>G (NM_144612.6); short protein forms T119R, T1230R, T23R.
Identifiers: ClinVar variation 1879396 (VCV001879396.30), dbSNP rs546426989, ClinGen allele CA402378003.